The following is an entry in ClinVar:

NM_018127.7(ELAC2):c.52C>T (p.Gln18Ter)

Gene: ELAC2 (elaC ribonuclease Z 2; minus strand). Cytogenetic location: 17p12.
Variant type: single nucleotide variant.
Coding change: c.52C>T on transcript NM_018127.7 (MANE Select); coding-DNA position 52, C replaced by T.
Protein change: p.Gln18Ter; replaces glutamine 18 with a stop codon.
Molecular consequence: nonsense.
Genome position (GRCh38, 1-based): chr17:13,017,896, G>A on the plus strand (C>T on the coding strand, the complement: ELAC2 is on the minus strand). VCF-style: chr17-13017896-G-A. GRCh37 (hg19) VCF-style: chr17-12921213-G-A.
Other names: c.52C>T, p.Gln18Ter (NM_001165962.2, NM_173717.2); short protein forms Q18*.
Identifiers: ClinVar variation 2577128 (VCV002577128.3), dbSNP rs2508398433, ClinGen allele CA398219361.

ClinVar aggregate classification (germline): Pathogenic. Review status: criteria provided, multiple submitters, no conflicts (2 of 4 stars). 2 submissions from 2 submitters: Pathogenic (2). Last evaluated 2024-03-12.

Conditions:
Combined oxidative phosphorylation defect type 17. Also called: Combined oxidative phosphorylation deficiency 17. Identifiers: Orphanet 369913, MedGen C3809526, MONDO:0014190, OMIM 615440.

Submissions (2):

Labcorp Genetics (formerly Invitae), Labcorp
Classification: Pathogenic for Combined oxidative phosphorylation defect type 17. Last evaluated: 2024-03-12. Review status: criteria provided, single submitter. Criteria: Invitae Variant Classification Sherloc (09022015). Collection method: clinical testing. Allele origin: germline.
Comment: This sequence change creates a premature translational stop signal (p.Gln18*) in the ELAC2 gene. It is expected to result in an absent or disrupted protein product. Loss-of-function variants in ELAC2 are known to be pathogenic (PMID: 27769300, 31045291). This variant is not present in population databases (gnomAD no frequency). This variant has not been reported in the literature in individuals affected with ELAC2-related conditions. ClinVar contains an entry for this variant (Variation ID: 2577128). For these reasons, this variant has been classified as Pathogenic.

Women's Health and Genetics/Laboratory Corporation of America, LabCorp
Classification: Pathogenic for Combined oxidative phosphorylation defect type 17. Last evaluated: 2023-07-17. Review status: criteria provided, single submitter. Criteria: LabCorp Variant Classification Summary - May 2015. Collection method: clinical testing. Allele origin: germline.
Comment: Variant summary: ELAC2 c.52C>T (p.Gln18X) results in a premature termination codon, predicted to cause an absence of the protein due to nonsense mediated decay, which is a commonly known mechanism for disease. The variant was absent in 136382 control chromosomes. Loss of function of ELAC2 is established as a molecular mechanism of disease (PMID:27769300). To our knowledge, no occurrence of c.52C>T in individuals affected with Combined Oxidative Phosphorylation Defect Type 17 and no experimental evidence demonstrating its impact on protein function have been reported. No submitters have cited clinical-significance assessments for this variant to ClinVar after 2014. Based on the evidence outlined above, the variant was classified as pathogenic.

Literature cited by the submitters: PubMed 27769300 (cited by Labcorp Genetics (formerly Invitae), Labcorp); PubMed 31045291 (cited by Labcorp Genetics (formerly Invitae), Labcorp).